The following is an entry in ClinVar:

NM_001145.4(ANG):c.-401G>T

Genes: ANG (angiogenin; plus strand), LOC130055269 (ATAC-STARR-seq lymphoblastoid silent region 5574; plus strand). Cytogenetic location: 14q11.2.
Variant type: single nucleotide variant.
Coding change: c.-401G>T on transcript NM_001145.4; 401 bases upstream of the start codon, G replaced by T.
Molecular consequence: 5 prime UTR variant.
Genome position (GRCh38, 1-based): chr14:20,684,376, G>T. VCF-style: chr14-20684376-G-T. GRCh37 (hg19) VCF-style: chr14-21152535-G-T.
Identifiers: ClinVar variation 312765 (VCV000312765.8), dbSNP rs45591635, ClinGen allele CA10644977.

ClinVar aggregate classification (germline): Benign. Review status: criteria provided, multiple submitters, no conflicts (2 of 4 stars). 2 submissions from 2 submitters: Benign (2). Last evaluated 2018-01-13.

Conditions:
Amyotrophic lateral sclerosis type 9 (ALS9). Identifiers: Orphanet 803, MedGen C2678468, MONDO:0012753, OMIM 611895.

Allele frequency attached by ClinVar (database versions not stated): TOPMed 0.01984; gnomAD 0.02505 and 0.02538; 1000 Genomes Project 30x 0.02155; 1000 Genomes Project 0.02177; gnomAD exomes 0.09091.
gnomAD v4.1: 3,862 of 152,326 alleles (2.5%); highest among the groups gnomAD compares: South Asian, 4.2%; 67 homozygotes.

Submissions (2):

Illumina Laboratory Services, Illumina
Classification: Benign for Amyotrophic lateral sclerosis type 9. Last evaluated: 2018-01-13. Review status: criteria provided, single submitter. Criteria: ICSL Variant Classification Criteria 13 December 2019. Collection method: clinical testing. Allele origin: germline.
Comment: This variant was observed in the ICSL laboratory as part of a predisposition screen in an ostensibly healthy population. It had not been previously curated by ICSL or reported in the Human Gene Mutation Database (HGMD: prior to June 1st, 2018), and was therefore a candidate for classification through an automated scoring system. Utilizing variant allele frequency, disease prevalence and penetrance estimates, and inheritance mode, an automated score was calculated to assess if this variant is too frequent to cause the disease. Based on the score and internal cut-off values, a variant classified as benign is not then subjected to further curation. The score for this variant resulted in a classification of benign for this disease.

Breakthrough Genomics
Classification: Benign. Review status: criteria provided, single submitter. Criteria: ACMG Guidelines, 2015. Collection method: not provided. Allele origin: germline. Inheritance: Unknown mechanism. Affected: yes.